The following is an entry in ClinVar:

NM_015100.4(POGZ):c.536G>T (p.Gly179Val)

Gene: POGZ (pogo transposable element derived with ZNF domain; minus strand). Cytogenetic location: 1q21.3.
Variant type: single nucleotide variant.
Coding change: c.536G>T on transcript NM_015100.4 (MANE Select); coding-DNA position 536, G replaced by T.
Protein change: p.Gly179Val; replaces glycine 179 with valine.
Molecular consequence: missense variant. On other transcripts: intron variant (1).
Genome position (GRCh38, 1-based): chr1:151,429,635, C>A on the plus strand (G>T on the coding strand, the complement: POGZ is on the minus strand). VCF-style: chr1-151429635-C-A. GRCh37 (hg19) VCF-style: chr1-151402111-C-A.
Other names: c.536G>T, p.Gly179Val (NM_001194937.2); c.377G>T, p.Gly126Val (NM_001194938.2, NM_207171.2); c.557G>T, p.Gly186Val (NM_001410860.1); c.284-1222G>T (NM_145796.4); short protein forms G126V, G179V, G186V.
Identifiers: ClinVar variation 3384346 (VCV003384346.1).
Genomic context (GRCh38, chr1:151,429,635, plus strand): 5'-TTCCAAATGGATAGACATTTTTCCTTACCTGGAACTAGTGTAATTGGTCTAACCGTTTGG[C>A]CTTGCTGTACGTTCAGCACAATCCCAACCTGATTCATTGCATTTTGTACAGGCCGGACAT-3'
Protein context (NP_055915.2, residues 169-189): QVGIVLNVQQ[Gly179Val]QTVRPITLVP

ClinVar aggregate classification (germline): Pathogenic (1 of 4 stars; one submission).

Submission:

GeneDx
Classification: Pathogenic. Last evaluated: 2024-06-05. Review status: criteria provided, single submitter. Criteria: GeneDx Variant Classification Process June 2021. Collection method: clinical testing. Allele origin: germline. Affected: yes.
Comment: Not observed at significant frequency in large population cohorts (gnomAD); In silico analysis indicates that this missense variant does not alter protein structure/function; Has not been previously published as pathogenic or benign to our knowledge